The following is an entry in ClinVar:

NM_031418.4(ANO3):c.767A>C (p.Asn256Thr)

Gene: ANO3 (anoctamin 3; plus strand). Cytogenetic location: 11p14.2.
Variant type: single nucleotide variant.
Coding change: c.767A>C on transcript NM_031418.4 (MANE Select); coding-DNA position 767, A replaced by C.
Protein change: p.Asn256Thr; replaces asparagine 256 with threonine.
Molecular consequence: missense variant.
Genome position (GRCh38, 1-based): chr11:26,531,234, A>C. VCF-style: chr11-26531234-A-C. GRCh37 (hg19) VCF-style: chr11-26552781-A-C.
Other names: c.950A>C, p.Asn317Thr (NM_001313726.2); c.329A>C, p.Asn110Thr (NM_001313727.2); c.767A>C (NM_031418.2); short protein forms N110T, N256T, N317T.
Identifiers: ClinVar variation 1407966 (VCV001407966.7), dbSNP rs774950939, ClinGen allele CA5925676.

ClinVar aggregate classification (germline): Uncertain significance. Review status: criteria provided, multiple submitters, no conflicts (2 of 4 stars). 2 submissions from 2 submitters: Uncertain significance (2). Last evaluated 2025-08-04.

Conditions:
Dystonic disorder. Also called: Dystonia. Identifiers: MedGen C0013421, MONDO:0003441, HP:0001332.
Inborn genetic diseases. Identifiers: MedGen C0950123, MeSH D030342.

Allele frequency attached by ClinVar (database versions not stated): TOPMed below 0.00001; gnomAD exomes 0.00001; ExAC 0.00002.
gnomAD v4.1: 1 of 1,614,054 alleles (0.000062%); highest among the groups gnomAD compares: Admixed American, 0.0017%; no homozygotes.

Submissions (2):

Ambry Genetics
Classification: Uncertain significance for Inborn genetic diseases. Last evaluated: 2025-08-04. Review status: criteria provided, single submitter. Criteria: Ambry Variant Classification Scheme 2023. Collection method: clinical testing. Allele origin: germline.

Labcorp Genetics (formerly Invitae), Labcorp
Classification: Uncertain significance for Dystonic disorder. Last evaluated: 2024-04-11. Review status: criteria provided, single submitter. Criteria: Invitae Variant Classification Sherloc (09022015). Collection method: clinical testing. Allele origin: germline.
Comment: This sequence change replaces asparagine, which is neutral and polar, with threonine, which is neutral and polar, at codon 256 of the ANO3 protein (p.Asn256Thr). This variant is present in population databases (rs774950939, gnomAD 0.006%). This variant has not been reported in the literature in individuals affected with ANO3-related conditions. ClinVar contains an entry for this variant (Variation ID: 1407966). Advanced modeling of protein sequence and biophysical properties (such as structural, functional, and spatial information, amino acid conservation, physicochemical variation, residue mobility, and thermodynamic stability) performed at Invitae indicates that this missense variant is not expected to disrupt ANO3 protein function with a negative predictive value of 95%. In summary, the available evidence is currently insufficient to determine the role of this variant in disease. Therefore, it has been classified as a Variant of Uncertain Significance.